The following is an entry in ClinVar:

ClinVar aggregate classification (germline): Likely pathogenic (1 of 4 stars; one submission).

Conditions:
BAP1-related tumor predisposition syndrome (TPDS1). Also called: BAP1 tumor predisposition syndrome; COMMON Syndrome; TUMOR PREDISPOSITION SYNDROME 1; Tumor susceptibility linked to germline BAP1 mutations. Identifiers: Orphanet 289539, MedGen C3280492, MONDO:0013692, OMIM 614327.

Submission:

Labcorp Genetics (formerly Invitae), Labcorp
Classification: Likely pathogenic for BAP1-related tumor predisposition syndrome. Last evaluated: 2020-01-22. Review status: criteria provided, single submitter. Criteria: Invitae Variant Classification Sherloc (09022015). Collection method: clinical testing. Allele origin: unknown.
Comment: In summary, the currently available evidence indicates that the variant is pathogenic, but additional data are needed to prove that conclusively. Therefore, this variant has been classified as Likely Pathogenic. Loss-of-function variants in BAP1 are known to be pathogenic (PMID: 21874000, 23684012). This variant has not been reported in the literature in individuals with BAP1-related disease. This variant results in the deletion of exon 10 and part of exon 11 (c.872_1046del) of the BAP1 gene. It is expected to disrupt RNA splicing and likely results in an absent or disrupted protein product.

Literature cited by the submitters: PubMed 21874000; PubMed 23684012.

NC_000003.11:g.(?_52439196)_(52439840_?)del

Gene: BAP1 (BRCA1 associated deubiquitinase 1; minus strand). Cytogenetic location: 3p21.1.
Variant type: Deletion.
Identifiers: ClinVar variation 3246921 (VCV003246921.1).